The following is an entry in ClinVar:

ClinVar aggregate classification (germline): Likely benign (0 of 4 stars; one submission).

Conditions:
RET-related disorder. Also called: RET-related disorders; RET-related condition; RET-related disease.

Allele frequency attached by ClinVar (database versions not stated): ESP Exome Variant Server 0.00008.
gnomAD v4.1: 103 of 1,609,548 alleles (0.0064%); highest among the groups gnomAD compares: Non-Finnish European, 0.0083%; no homozygotes.

Submission:

PreventionGenetics, part of Exact Sciences
Classification: Likely benign for RET-related condition. Last evaluated: 2019-07-29. Review status: no assertion criteria provided. Collection method: clinical testing. Allele origin: germline.
Comment: This variant is classified as likely benign based on ACMG/AMP sequence variant interpretation guidelines (Richards et al. 2015 PMID: 25741868, with internal and published modifications).

NM_020975.6(RET):c.3187+37G>C

Gene: RET (ret proto-oncogene; plus strand). Cytogenetic location: 10q11.21.
Variant type: single nucleotide variant.
Coding change: c.3187+37G>C on transcript NM_020975.6 (MANE Select); 37 bases into the intron after coding-DNA position 3187, G replaced by C.
Molecular consequence: intron variant. On other transcripts: 3 prime UTR variant (18).
Genome position (GRCh38, 1-based): chr10:43,126,759, G>C. VCF-style: chr10-43126759-G-C. GRCh37 (hg19) VCF-style: chr10-43622207-G-C.
Other names: c.*5G>C (NM_001355216.2, NM_001406764.1, NM_001406765.1 and 15 more transcripts); c.3187+37G>C (NM_001406743.1, NM_001406744.1); c.3127+97G>C (NM_001406759.1, NM_001406760.1); c.3052+37G>C (NM_001406763.1); c.2791+37G>C (NM_001406769.1); c.2749+37G>C (NM_001406771.1); c.2290+37G>C (NM_001406780.1, NM_001406779.1, NM_001406781.1); c.3058+37G>C (NM_001406762.1, NM_001406761.1); and 7 more.
Identifiers: ClinVar variation 3035313 (VCV003035313.2), dbSNP rs375519926, ClinGen allele CA044048.